The following is an entry in ClinVar:

NM_013339.4(ALG6):c.727G>A (p.Val243Ile)

Gene: ALG6 (ALG6 alpha-1,3-glucosyltransferase; plus strand). Cytogenetic location: 1p31.3.
Variant type: single nucleotide variant.
Coding change: c.727G>A on transcript NM_013339.4 (MANE Select); coding-DNA position 727, G replaced by A.
Protein change: p.Val243Ile; replaces valine 243 with isoleucine.
Molecular consequence: missense variant.
Genome position (GRCh38, 1-based): chr1:63,411,972, G>A. VCF-style: chr1-63411972-G-A. GRCh37 (hg19) VCF-style: chr1-63877643-G-A.
Other names: short protein forms V243I.
Identifiers: ClinVar variation 1349491 (VCV001349491.4), dbSNP rs367674567, ClinGen allele CA888249.

ClinVar aggregate classification (germline): Uncertain significance (1 of 4 stars; one submission).

Conditions:
ALG6-congenital disorder of glycosylation 1C (CDG1C). Also called: CARBOHYDRATE-DEFICIENT GLYCOPROTEIN SYNDROME, TYPE I, WITH DEFICIENT GLYCOSYLATION OF DOLICHOL-LINKED OLIGOSACCHARIDE; CARBOHYDRATE-DEFICIENT GLYCOPROTEIN SYNDROME, TYPE V; Congenital disorder of glycosylation, type Ic; Congenital disorder of glycosylation type 1C; CDG Ic. Identifiers: Orphanet 79320, MedGen C2930997, MONDO:0011291, OMIM 603147.

Allele frequency attached by ClinVar (database versions not stated): gnomAD exomes 0.00002; ESP Exome Variant Server 0.00023.
gnomAD v4.1: 29 of 1,613,844 alleles (0.0018%); highest among the groups gnomAD compares: Admixed American, 0.0017%; no homozygotes.

Submission:

Labcorp Genetics (formerly Invitae), Labcorp
Classification: Uncertain significance for ALG6-congenital disorder of glycosylation 1C. Last evaluated: 2023-12-07. Review status: criteria provided, single submitter. Criteria: Invitae Variant Classification Sherloc (09022015). Collection method: clinical testing. Allele origin: germline.
Comment: This sequence change replaces valine, which is neutral and non-polar, with isoleucine, which is neutral and non-polar, at codon 243 of the ALG6 protein (p.Val243Ile). This variant is present in population databases (rs367674567, gnomAD 0.006%). This variant has not been reported in the literature in individuals affected with ALG6-related conditions. ClinVar contains an entry for this variant (Variation ID: 1349491). Advanced modeling of protein sequence and biophysical properties (such as structural, functional, and spatial information, amino acid conservation, physicochemical variation, residue mobility, and thermodynamic stability) performed at Invitae indicates that this missense variant is not expected to disrupt ALG6 protein function with a negative predictive value of 80%. In summary, the available evidence is currently insufficient to determine the role of this variant in disease. Therefore, it has been classified as a Variant of Uncertain Significance.